The following is an entry in ClinVar:

NM_000238.4(KCNH2):c.2641_2646del (p.Phe881_Ser882del)

Gene: KCNH2 (potassium voltage-gated channel subfamily H member 2; minus strand). Cytogenetic location: 7q36.1.
Variant type: Deletion.
Coding change: c.2641_2646del on transcript NM_000238.4 (MANE Select); coding-DNA positions 2641 to 2646, 6 bases deleted (TTCAGT; older notation c.2641_2646delTTCAGT).
Protein change: p.Phe881_Ser882del.
Molecular consequence: inframe deletion. On other transcripts: non-coding transcript variant (2).
Genome position (GRCh38, 1-based): chr7:150,948,490-150,948,495, ACTGAA deleted on the plus strand (TTCAGT on the coding strand, the reverse complement: KCNH2 is on the minus strand). VCF-style (leftmost placement, unchanged base first): chr7-150948489-GACTGAA-G. GRCh37 (hg19) VCF-style: chr7-150645577-GACTGAA-G.
Other names: c.2353_2358del, p.Phe785_Ser786del (NM_001406753.1); c.1621_1626del, p.Phe541_Ser542del (NM_172057.3).
Identifiers: ClinVar variation 2742673 (VCV002742673.3), dbSNP rs2486012577, ClinGen allele CA2685600511.
Genomic context (GRCh38, chr7:150,948,489, plus strand): 5'-CCTCCCCCGCCTCACCCTTGTCCGTGCGCCTGCGGAAGGACAACTTGCGCTTGCGTTGCC[GACTGAA>G]GCCACCCTCTAACTCCGTACTGCCGGGGGAGCCCGGGATCATGTTGGTCTGGAACCAAAA-3'

ClinVar aggregate classification (germline): Uncertain significance (1 of 4 stars; one submission).

Conditions:
Long QT syndrome (LQTS). Identifiers: MedGen C0023976, MeSH D008133, MONDO:0002442. Disease mechanism: loss of function. Inheritance: Various modes of inheritance.

Allele frequency attached by ClinVar (database versions not stated): gnomAD exomes below 0.00001.

Submission:

Labcorp Genetics (formerly Invitae), Labcorp
Classification: Uncertain significance for Long QT syndrome. Last evaluated: 2023-09-18. Review status: criteria provided, single submitter. Criteria: Invitae Variant Classification Sherloc (09022015). Collection method: clinical testing. Allele origin: germline.
Comment: Experimental studies and prediction algorithms are not available or were not evaluated, and the functional significance of this variant is currently unknown. In summary, the available evidence is currently insufficient to determine the role of this variant in disease. Therefore, it has been classified as a Variant of Uncertain Significance. This variant has not been reported in the literature in individuals affected with KCNH2-related conditions. This variant is not present in population databases (gnomAD no frequency). This variant, c.2641_2646del, results in the deletion of 2 amino acid(s) of the KCNH2 protein (p.Phe881_Ser882del), but otherwise preserves the integrity of the reading frame.